The following is an entry in ClinVar:

ClinVar aggregate classification (germline): Conflicting classifications of pathogenicity. Review status: criteria provided, conflicting classifications (1 of 4 stars). 5 submissions from 5 submitters: Uncertain significance (1); Benign (3); Likely benign (1). Last evaluated 2025-12-02.

Allele frequency attached by ClinVar (database versions not stated): gnomAD exomes 0.00064; ExAC 0.00077; 1000 Genomes Project 0.00200; gnomAD 0.00232 and 0.00252; ESP Exome Variant Server 0.00238; TOPMed 0.00250; 1000 Genomes Project 30x 0.00265.
gnomAD v4.1: 708 of 1,614,162 alleles (0.044%); highest among the groups gnomAD compares: African/African-American, 0.81%; no homozygotes.

Submissions (5):

Labcorp Genetics (formerly Invitae), Labcorp
Classification: Benign. Last evaluated: 2025-12-02. Review status: criteria provided, single submitter. Criteria: Invitae Variant Classification Sherloc (09022015). Collection method: clinical testing. Allele origin: germline.

Blueprint Genetics
Classification: Uncertain significance. Last evaluated: 2024-07-15. Review status: criteria provided, single submitter. Criteria: ACMG Guidelines, 2015. Collection method: clinical testing. Allele origin: germline.

GeneDx
Classification: Benign. Last evaluated: 2021-06-10. Review status: criteria provided, single submitter. Criteria: GeneDx Variant Classification Process June 2021. Collection method: clinical testing. Allele origin: germline. Affected: yes.

Eurofins Ntd Llc (ga)
Classification: Likely benign. Last evaluated: 2015-05-20. Review status: criteria provided, single submitter. Criteria: EGL Classification Definitions 2015. Collection method: clinical testing. Allele origin: germline. Observed: 1 variant allele, 1 heterozygote.

Laboratory for Molecular Medicine, Mass General Brigham Personalized Medicine
Classification: Benign. Last evaluated: 2012-05-07. Review status: criteria provided, single submitter. Criteria: LMM Criteria. Collection method: clinical testing. Allele origin: germline. Observed: 3 variant alleles.
Comment: "Ala162Ala in Exon 08 of MSRB3: This variant is not expected to have clinical si gnificance because it does not alter an amino acid residue, is not located withi n the splice consensus sequence, and has been identified in 0.6% (23/3738) of Af rican American chromosomes from a broad population by the NHLBI Exome Sequencing Project (dbSNP rs35393316)."

NM_001031679.3(MSRB3):c.486G>A (p.Ala162=)

Gene: MSRB3 (methionine sulfoxide reductase B3; plus strand). Cytogenetic location: 12q14.3.
Variant type: single nucleotide variant.
Coding change: c.486G>A on transcript NM_001031679.3 (MANE Select); coding-DNA position 486, G replaced by A.
Protein change: p.Ala162=; no amino-acid change (alanine 162 retained).
Molecular consequence: synonymous variant.
Genome position (GRCh38, 1-based): chr12:65,463,250, G>A. VCF-style: chr12-65463250-G-A. GRCh37 (hg19) VCF-style: chr12-65857030-G-A.
Other names: c.486G>A, p.Ala162= (NM_001193460.2, NM_001193461.2); c.507G>A, p.Ala169= (NM_198080.4).
Identifiers: ClinVar variation 178616 (VCV000178616.15), dbSNP rs35393316, ClinGen allele CA182671.